The following is an entry in ClinVar:

NM_020987.5(ANK3):c.8773T>G (p.Ser2925Ala)

Gene: ANK3 (ankyrin 3; minus strand). Cytogenetic location: 10q21.2.
Variant type: single nucleotide variant.
Coding change: c.8773T>G on transcript NM_020987.5 (MANE Select); coding-DNA position 8773, T replaced by G.
Protein change: p.Ser2925Ala; replaces serine 2925 with alanine.
Molecular consequence: missense variant. On other transcripts: intron variant (4).
Genome position (GRCh38, 1-based): chr10:60,072,108, A>C on the plus strand (T>G on the coding strand, the complement: ANK3 is on the minus strand). VCF-style: chr10-60072108-A-C. GRCh37 (hg19) VCF-style: chr10-61831866-A-C.
Other names: c.4388-4099T>G (NM_001204403.2); c.4409-4099T>G (NM_001204404.2); c.4406-4099T>G (NM_001320874.2); c.1808-4099T>G (NM_001149.4); short protein forms S2925A.
Identifiers: ClinVar variation 2192943 (VCV002192943.30), dbSNP rs761565516, ClinGen allele CA5511491.

ClinVar aggregate classification (germline): Conflicting classifications of pathogenicity. Review status: criteria provided, conflicting classifications (1 of 4 stars). 4 submissions from 4 submitters: Uncertain significance (3); Likely benign (1). Last evaluated 2025-11-10.

Conditions:
Intellectual developmental disorder, autosomal recessive 37. Also called: Intellectual disability-hypotonia-spasticity-sleep disorder syndrome. Identifiers: Orphanet 356996, MedGen C3809672, MONDO:0014210, OMIM 615493.

Allele frequency attached by ClinVar (database versions not stated): ExAC 0.00003; gnomAD exomes 0.00003; TOPMed 0.00003; gnomAD 0.00004.
gnomAD v4.1: 65 of 1,613,630 alleles (0.004%); highest among the groups gnomAD compares: Non-Finnish European, 0.0046%; no homozygotes.

Submissions (4):

Dasa
Classification: Uncertain significance. Last evaluated: 2025-11-10. Review status: criteria provided, single submitter. Criteria: DASA Assertion Criteria. Collection method: clinical testing. Allele origin: germline.
Comment: NM_020987.5(ANK3):c.8773T>G (p.Ser2925Ala) is a missense variant that results in the substitution of serine with alanine. This variant is rare in population databases. Computational prediction algorithms are consistent with a benign effect. The currently available literature and clinical evidence are not sufficient to establish a definitive association between this variant and the reported condition. Therefore, this variant is classified as a variant of uncertain significance.

3billion
Classification: Likely benign for Intellectual developmental disorder, autosomal recessive 37. Last evaluated: 2024-09-20. Review status: criteria provided, single submitter. Criteria: ACMG Guidelines, 2015. Collection method: clinical testing. Allele origin: germline. Affected: no.
Comment: The homozygous variant was found in patients diagnosed with another variant in a different gene, with no symptoms related to the gene containing the homozygous variant.

CeGaT Center for Human Genetics Tuebingen
Classification: Uncertain significance. Last evaluated: 2022-12-01. Review status: criteria provided, single submitter. Criteria: CeGaT Center For Human Genetics Tuebingen Variant Classification Criteria Version 2. Collection method: clinical testing. Allele origin: germline. Affected: yes. Observed: 1 variant allele.

Labcorp Genetics (formerly Invitae), Labcorp
Classification: Uncertain significance. Last evaluated: 2022-11-08. Review status: criteria provided, single submitter. Criteria: Invitae Variant Classification Sherloc (09022015). Collection method: clinical testing. Allele origin: germline.
Comment: In summary, the available evidence is currently insufficient to determine the role of this variant in disease. Therefore, it has been classified as a Variant of Uncertain Significance. Algorithms developed to predict the effect of missense changes on protein structure and function are either unavailable or do not agree on the potential impact of this missense change (SIFT: "Not Available"; PolyPhen-2: "Possibly Damaging"; Align-GVGD: "Not Available"). This variant has not been reported in the literature in individuals affected with ANK3-related conditions. This variant is present in population databases (rs761565516, gnomAD 0.007%). This sequence change replaces serine with alanine at codon 2925 of the ANK3 protein (p.Ser2925Ala). The serine residue is weakly conserved and there is a moderate physicochemical difference between serine and alanine.